The following is an entry in ClinVar:

NM_015102.5(NPHP4):c.4163C>T (p.Thr1388Ile)

Gene: NPHP4 (nephrocystin 4; minus strand). Cytogenetic location: 1p36.31.
Variant type: single nucleotide variant.
Coding change: c.4163C>T on transcript NM_015102.5 (MANE Select); coding-DNA position 4163, C replaced by T.
Protein change: p.Thr1388Ile; replaces threonine 1388 with isoleucine.
Molecular consequence: missense variant. On other transcripts: non-coding transcript variant (1).
Genome position (GRCh38, 1-based): chr1:5,863,383, G>A on the plus strand (C>T on the coding strand, the complement: NPHP4 is on the minus strand). VCF-style: chr1-5863383-G-A. GRCh37 (hg19) VCF-style: chr1-5923443-G-A.
Other names: c.2624C>T, p.Thr875Ile (NM_001291593.2); c.2627C>T, p.Thr876Ile (NM_001291594.2); short protein forms T876I, T875I, T1388I.
Identifiers: ClinVar variation 1036868 (VCV001036868.9), dbSNP rs1640835287, ClinGen allele CA338047814.
Genomic context (GRCh38, chr1:5,863,383, plus strand): 5'-ATGTAGATCAGGATCTCCTCCTCACCCACTCTCTGACTAGGCGCAAACTGCAAGCCGATG[G>A]TGTAGGTCTCTCCACCCCCGACCTGGAAATAAGCATCCAAATCCCAGCATCCACCCCCGG-3'
Protein context (NP_055917.1, residues 1378-1398): SFQVGGGETY[Thr1388Ile]IGLQFAPSQR

ClinVar aggregate classification (germline): Uncertain significance. Review status: criteria provided, multiple submitters, no conflicts (2 of 4 stars). 2 submissions from 2 submitters: Uncertain significance (2). Last evaluated 2022-11-08.

Conditions:
Nephronophthisis. Also called: Juvenile Nephronophthisis. Identifiers: Orphanet 655, MedGen C0687120, MONDO:0019005, HP:0000090.

Submissions (2):

Labcorp Genetics (formerly Invitae), Labcorp
Classification: Uncertain significance for Nephronophthisis. Last evaluated: 2022-11-08. Review status: criteria provided, single submitter. Criteria: Invitae Variant Classification Sherloc (09022015). Collection method: clinical testing. Allele origin: germline.
Comment: In summary, the available evidence is currently insufficient to determine the role of this variant in disease. Therefore, it has been classified as a Variant of Uncertain Significance. Advanced modeling of protein sequence and biophysical properties (such as structural, functional, and spatial information, amino acid conservation, physicochemical variation, residue mobility, and thermodynamic stability) performed at Invitae indicates that this missense variant is expected to disrupt NPHP4 protein function. ClinVar contains an entry for this variant (Variation ID: 1036868). This variant has not been reported in the literature in individuals affected with NPHP4-related conditions. This variant is not present in population databases (gnomAD no frequency). This sequence change replaces threonine, which is neutral and polar, with isoleucine, which is neutral and non-polar, at codon 1388 of the NPHP4 protein (p.Thr1388Ile).

Blueprint Genetics
Classification: Uncertain significance. Last evaluated: 2021-11-11. Review status: criteria provided, single submitter. Criteria: ACMG Guidelines, 2015. Collection method: clinical testing. Allele origin: germline.